The following is an entry in ClinVar:

NM_001613.4(ACTA2):c.229A>G (p.Ile77Val)

Gene: ACTA2 (actin alpha 2, smooth muscle; minus strand). Cytogenetic location: 10q23.31.
Variant type: single nucleotide variant.
Coding change: c.229A>G on transcript NM_001613.4 (MANE Select); coding-DNA position 229, A replaced by G.
Protein change: p.Ile77Val; replaces isoleucine 77 with valine.
Molecular consequence: missense variant.
Genome position (GRCh38, 1-based): chr10:88,947,287, T>C on the plus strand (A>G on the coding strand, the complement: ACTA2 is on the minus strand). VCF-style: chr10-88947287-T-C. GRCh37 (hg19) VCF-style: chr10-90707044-T-C.
Other names: c.229A>G, p.Ile77Val (NM_001141945.3, NM_001320855.2, NM_001406462.1 and 4 more transcripts); short protein forms I77V.
Identifiers: ClinVar variation 1309274 (VCV001309274.9), dbSNP rs754716869, ClinGen allele CA027101.

ClinVar aggregate classification (germline): Uncertain significance. Review status: criteria provided, multiple submitters, no conflicts (2 of 4 stars). 4 submissions from 4 submitters: Uncertain significance (4). Last evaluated 2025-03-25.

Conditions:
Familial thoracic aortic aneurysm and aortic dissection (TAAD). Also called: Thoracic aortic aneurysms and dissections. Identifiers: Orphanet 91387, MedGen C4707243, MONDO:0019625.
Aortic aneurysm, familial thoracic 6 (AAT6). Also called: FAMILIAL THORACIC AORTIC ANEURYSM WITH LIVEDO RETICULARIS AND IRIS FLOCCULI. Identifiers: MedGen C2673186, MONDO:0012730, OMIM 611788.

Allele frequency attached by ClinVar (database versions not stated): gnomAD exomes below 0.00001; ExAC 0.00001.
gnomAD v4.1: 1 of 1,614,004 alleles (0.000062%); highest among the groups gnomAD compares: Non-Finnish European, 0.000085%; no homozygotes.

Submissions (4):

Labcorp Genetics (formerly Invitae), Labcorp
Classification: Uncertain significance for Aortic aneurysm, familial thoracic 6. Last evaluated: 2025-03-25. Review status: criteria provided, single submitter. Criteria: Invitae Variant Classification Sherloc (09022015). Collection method: clinical testing. Allele origin: germline.
Comment: This sequence change replaces isoleucine, which is neutral and non-polar, with valine, which is neutral and non-polar, at codon 77 of the ACTA2 protein (p.Ile77Val). This variant is present in population databases (rs754716869, gnomAD 0.0009%). This missense change has been observed in individual(s) with clinical features of thoracic aortic aneurysms and dissections (internal data). ClinVar contains an entry for this variant (Variation ID: 1309274). Invitae Evidence Modeling of protein sequence and biophysical properties (such as structural, functional, and spatial information, amino acid conservation, physicochemical variation, residue mobility, and thermodynamic stability) indicates that this missense variant is not expected to disrupt ACTA2 protein function with a negative predictive value of 80%. In summary, the available evidence is currently insufficient to determine the role of this variant in disease. Therefore, it has been classified as a Variant of Uncertain Significance.

All of Us Research Program, National Institutes of Health
Classification: Uncertain significance for Familial thoracic aortic aneurysm and aortic dissection. Last evaluated: 2023-10-02. Review status: criteria provided, single submitter. Criteria: ACMG Guidelines, 2015. Collection method: clinical testing. Allele origin: germline. Inheritance: Autosomal dominant inheritance. Observed: 1 variant allele, 1 heterozygote.
Comment: This missense variant replaces isoleucine with valine at codon 77 of the ACTA2 protein. Computational prediction suggests that this variant may have deleterious impact on protein structure and function (internally defined REVEL score threshold >= 0.7, PMID: 27666373). To our knowledge, functional studies have not been reported for this variant. This variant has not been reported in individuals affected with ACTA2-related disorders in the literature. This variant has not been identified in the general population by the Genome Aggregation Database (gnomAD). The available evidence is insufficient to determine the role of this variant in disease conclusively. Therefore, this variant is classified as a Variant of Uncertain Significance.

This study involves interpretation of variants in research participants for the purpose of population health screening. Participant phenotype was not available at the time of variant classification. Additional details can be found in publication PMID: 35346344, PMCID: PMC8962531

Color Diagnostics, LLC DBA Color Health
Classification: Uncertain significance for Familial thoracic aortic aneurysm and aortic dissection. Last evaluated: 2023-04-20. Review status: criteria provided, single submitter. Criteria: ACMG Guidelines, 2015. Collection method: clinical testing. Allele origin: germline.
Comment: This missense variant replaces isoleucine with valine at codon 77 of the ACTA2 protein. Computational prediction suggests that this variant may have deleterious impact on protein structure and function (internally defined REVEL score threshold >= 0.7, PMID: 27666373). To our knowledge, functional studies have not been reported for this variant. This variant has not been reported in individuals affected with ACTA2-related disorders in the literature. This variant has not been identified in the general population by the Genome Aggregation Database (gnomAD). The available evidence is insufficient to determine the role of this variant in disease conclusively. Therefore, this variant is classified as a Variant of Uncertain Significance.

GeneDx
Classification: Uncertain significance. Last evaluated: 2020-01-15. Review status: criteria provided, single submitter. Criteria: GeneDx Variant Classification Process June 2021. Collection method: clinical testing. Allele origin: germline. Affected: yes.
Comment: Has not been previously published as pathogenic or benign to our knowledge; Not observed in large population cohorts (Lek et al., 2016); In silico analysis, which includes protein predictors and evolutionary conservation, supports that this variant does not alter protein structure/function